The following is an entry in ClinVar:

NM_024649.5(BBS1):c.1285dup (p.Arg429fs)

Genes: ZDHHC24 (zDHHC palmitoyltransferase 24; minus strand), BBS1 (Bardet-Biedl syndrome 1; plus strand). Cytogenetic location: 11q13.2.
Variant type: Duplication.
Coding change: c.1285dup on transcript NM_024649.5 (MANE Select); coding-DNA position 1285, one base duplicated (C; older notation c.1285dupC).
Protein change: p.Arg429fs; shifts the reading frame from arginine 429.
Molecular consequence: frameshift variant. On other transcripts: intron variant (1).
Genome position (GRCh38, 1-based): chr11:66,526,753, C duplicated; the last of 4 consecutive C bases (chr11:66,526,750-66,526,753); duplicating any one gives the same sequence. VCF-style (leftmost placement, unchanged base first): chr11-66526749-G-GC. GRCh37 (hg19) VCF-style: chr11-66294220-G-GC.
Other names: c.1285dup (NM_024649.4); c.*21+186dup (NM_001348571.2); short protein forms R429fs.
Identifiers: ClinVar variation 625445 (VCV000625445.5), dbSNP rs1565287921, ClinGen allele CA913190289.

ClinVar aggregate classification (germline): Pathogenic/Likely pathogenic. Review status: criteria provided, multiple submitters, no conflicts (2 of 4 stars). 2 submissions from 2 submitters: Pathogenic (1); Likely pathogenic (1). Last evaluated 2024-10-06.

Conditions:
Bardet-Biedl syndrome (BBS). Identifiers: Orphanet 110, MedGen C0752166, MONDO:0015229.
Bardet-Biedl syndrome 1 (BBS1). Identifiers: MedGen C2936862, MONDO:0008854, OMIM 209900. Disease mechanism: loss of function.

Submissions (2):

Natera, Inc.
Classification: Likely pathogenic for Bardet-Biedl syndrome type 1. Last evaluated: 2024-10-06. Review status: criteria provided, single submitter. Criteria: Natera Variant Classification Schema (03/2026). Collection method: clinical testing. Allele origin: germline.
Comment: The c.1285dup variant in BBS1 is a frameshift variant predicted to shift the reading frame beginning at codon 429 and leads to a stop codon 72 codons downstream. This variant is expected to result in nonsense mediated decay, truncation, or a dysfunctional protein product. This variant is rare in the general population with a frequency below the threshold expected for the associated phenotype(s). Given the available evidence, this variant is classified as Likely Pathogenic.

MAGI'S LAB - Medical Genetics Laboratory, MAGI GROUP
Classification: Pathogenic for Bardet-Biedl syndrome. Last evaluated: 2018-10-01. Review status: criteria provided, single submitter. Criteria: ACMG Guidelines, 2015. Collection method: clinical testing. Allele origin: germline. Affected: yes.

Literature cited by the submitters: PubMed 12118255 (cited by MAGI'S LAB - Medical Genetics Laboratory, MAGI GROUP).